The following is an entry in ClinVar:

ClinVar aggregate classification (germline): Uncertain significance (1 of 4 stars; one submission).

Submission:

Athena Diagnostics
Classification: Uncertain significance. Last evaluated: 2023-06-09. Review status: criteria provided, single submitter. Criteria: Athena Diagnostics Criteria. Collection method: clinical testing. Allele origin: unknown.
Comment: Available data are insufficient to determine the clinical significance of the variant at this time. This variant has not been reported in large, multi-ethnic general populations. Computational tools predict that this variant is not damaging.

NM_014231.5(VAMP1):c.338T>G (p.Val113Gly)

Genes: TAPBPL (TAP binding protein like; plus strand), VAMP1 (vesicle associated membrane protein 1; minus strand). Cytogenetic location: 12p13.31.
Variant type: single nucleotide variant.
Coding change: c.338T>G on transcript NM_014231.5 (MANE Select); coding-DNA position 338, T replaced by G.
Protein change: p.Val113Gly; replaces valine 113 with glycine.
Molecular consequence: missense variant. On other transcripts: non-coding transcript variant (1).
Genome position (GRCh38, 1-based): chr12:6,464,892, A>C on the plus strand (T>G on the coding strand, the complement: VAMP1 is on the minus strand). VCF-style: chr12-6464892-A-C. GRCh37 (hg19) VCF-style: chr12-6574058-A-C.
Other names: c.338T>G, p.Val113Gly (NM_001297438.2, NM_016830.4, NM_199245.3); short protein forms V113G.
Identifiers: ClinVar variation 2684103 (VCV002684103.1), dbSNP rs2498246360, ClinGen allele CA383558667.